The following is an entry in ClinVar:

ClinVar aggregate classification (germline): Uncertain significance (1 of 4 stars; one submission).

Conditions:
Amyotrophic lateral sclerosis type 8 (ALS8). Identifiers: Orphanet 803, MedGen C1837728, MONDO:0012077, OMIM 608627.
Adult-onset proximal spinal muscular atrophy, autosomal dominant. Also called: Spinal muscular atrophy, late-onset, finkel type; FINKEL LATE-ADULT TYPE SMA. Identifiers: Orphanet 209335, MedGen C1854058, MONDO:0008453, OMIM 182980.

Submission:

Labcorp Genetics (formerly Invitae), Labcorp
Classification: Uncertain significance for Adult-onset proximal spinal muscular atrophy, autosomal dominant; Amyotrophic lateral sclerosis type 8. Last evaluated: 2024-11-05. Review status: criteria provided, single submitter. Criteria: Invitae Variant Classification Sherloc (09022015). Collection method: clinical testing. Allele origin: germline.
Comment: This sequence change replaces arginine, which is basic and polar, with glycine, which is neutral and non-polar, at codon 51 of the VAPB protein (p.Arg51Gly). This variant is not present in population databases (gnomAD no frequency). This variant has not been reported in the literature in individuals affected with VAPB-related conditions. ClinVar contains an entry for this variant (Variation ID: 2098792). Invitae Evidence Modeling of protein sequence and biophysical properties (such as structural, functional, and spatial information, amino acid conservation, physicochemical variation, residue mobility, and thermodynamic stability) indicates that this missense variant is expected to disrupt VAPB protein function with a positive predictive value of 80%. In summary, the available evidence is currently insufficient to determine the role of this variant in disease. Therefore, it has been classified as a Variant of Uncertain Significance.

NM_004738.5(VAPB):c.151A>G (p.Arg51Gly)

Gene: VAPB (VAMP associated protein B and C; plus strand). Cytogenetic location: 20q13.32.
Variant type: single nucleotide variant.
Coding change: c.151A>G on transcript NM_004738.5 (MANE Select); coding-DNA position 151, A replaced by G.
Protein change: p.Arg51Gly; replaces arginine 51 with glycine.
Molecular consequence: missense variant. On other transcripts: non-coding transcript variant (1).
Genome position (GRCh38, 1-based): chr20:58,418,303, A>G. VCF-style: chr20-58418303-A-G. GRCh37 (hg19) VCF-style: chr20-56993359-A-G.
Other names: c.151A>G, p.Arg51Gly (NM_001195677.2); short protein forms R51G.
Identifiers: ClinVar variation 2098792 (VCV002098792.4), dbSNP rs2516033008, ClinGen allele CA409442575.
Genomic context (GRCh38, chr20:58,418,303, plus strand): 5'-AAGCTTGGCAACCCGACAGACCGAAATGTGTGTTTTAAGGTGAAGACTACAGCACCACGT[A>G]GGTACTGTGTGAGGCCCAACAGCGGAATCATCGATGCAGGGGCCTCAATTAATGTATCTG-3'
Protein context (NP_004729.1, residues 41-61): CFKVKTTAPR[Arg51Gly]YCVRPNSGII